The following is an entry in ClinVar:

NM_000520.6(HEXA):c.1329A>C (p.Glu443Asp)

Gene: HEXA (hexosaminidase subunit alpha; minus strand). Cytogenetic location: 15q23.
Variant type: single nucleotide variant.
Coding change: c.1329A>C on transcript NM_000520.6 (MANE Select); coding-DNA position 1329, A replaced by C.
Protein change: p.Glu443Asp; replaces glutamic acid 443 with aspartic acid.
Molecular consequence: missense variant.
Genome position (GRCh38, 1-based): chr15:72,346,528, T>G on the plus strand (A>C on the coding strand, the complement: HEXA is on the minus strand). VCF-style: chr15-72346528-T-G. GRCh37 (hg19) VCF-style: chr15-72638869-T-G.
Other names: c.1362A>C, p.Glu454Asp (NM_001318825.2); short protein forms E443D, E454D.
Identifiers: ClinVar variation 2584782 (VCV002584782.1), dbSNP rs2542513826, ClinGen allele CA393060302.

ClinVar aggregate classification (germline): Uncertain significance (1 of 4 stars; one submission).

Conditions:
Tay-Sachs disease (TSD). Also called: HEXA DEFICIENCY; HEXA Disorders; GM2 gangliosidosis, type 1; Hexosaminidase alpha-subunit deficiency (variant B); Sphingolipidosis, Tay-Sachs; Hexosaminidase A Deficiency. Identifiers: Orphanet 845, MedGen C0039373, MONDO:0010100, OMIM 272800.

Submission:

Neuberg Centre For Genomic Medicine, NCGM
Classification: Uncertain significance for Tay-Sachs disease. Review status: criteria provided, single submitter. Criteria: ACMG Guidelines, 2015. Collection method: clinical testing. Allele origin: germline. Inheritance: Autosomal recessive inheritance. Affected: yes.
Comment: The missense variant in c.1329A>C (p.Glu443Asp) in HEXA gene has not been reported previously as a pathogenic variant nor as a benign variant, to our knowledge. This variant has not been reported to the ClinVar database. The p.Asn541Asp variant is novel (not in any individuals) in gnomAD Exomes and 1000 Genomes. The amino acid Glu at position 443 is changed to a Asp changing protein sequence and it might alter its composition and physico-chemical properties. For these reasons, this variant has been classified as Uncertain Significance (VUS).